The following is an entry in ClinVar:

NM_000059.4(BRCA2):c.2883G>T (p.Gln961His)

Gene: BRCA2 (BRCA2 DNA repair associated; plus strand). Cytogenetic location: 13q13.1.
Variant type: single nucleotide variant.
Coding change: c.2883G>T on transcript NM_000059.4 (MANE Select); coding-DNA position 2883, G replaced by T.
Protein change: p.Gln961His; replaces glutamine 961 with histidine.
Molecular consequence: missense variant.
Genome position (GRCh38, 1-based): chr13:32,337,238, G>T. VCF-style: chr13-32337238-G-T. GRCh37 (hg19) VCF-style: chr13-32911375-G-T.
Other names: short protein forms Q961H.
Identifiers: ClinVar variation 1478576 (VCV001478576.9), dbSNP rs11571655, ClinGen allele CA387774084.

ClinVar aggregate classification (germline): Conflicting classifications of pathogenicity. Review status: criteria provided, conflicting classifications (1 of 4 stars). 2 submissions from 2 submitters: Uncertain significance (1); Likely benign (1). Last evaluated 2023-03-23.

Conditions:
Hereditary cancer-predisposing syndrome. Also called: Tumor predisposition; Hereditary Cancer Syndrome; Hereditary neoplastic syndrome; Neoplastic Syndromes, Hereditary. Identifiers: Orphanet 140162, MedGen C0027672, MeSH D009386, MONDO:0015356.
Hereditary breast ovarian cancer syndrome. Also called: Hereditary breast and ovarian cancer; BRCA1- and BRCA2-Associated Hereditary Breast and Ovarian Cancer; Hereditary breast and ovarian cancer syndrome; Hereditary breast and ovarian cancer syndrome (HBOC); Breast and ovarian cancer; Hereditary breast and/or ovarian cancer syndrome. Identifiers: Orphanet 145, MedGen C0677776, MeSH D061325, MONDO:0003582. Disease mechanism: loss of function.

Submissions (2):

University of Washington Department of Laboratory Medicine, University of Washington
Classification: Likely benign for Hereditary cancer-predisposing syndrome. Last evaluated: 2023-03-23. Review status: criteria provided, single submitter. Criteria: Dines et al. (Genet Med. 2020). Collection method: curation. Allele origin: germline.
Comment: Missense variant in a coldspot region where missense variants are very unlikely to be pathogenic (PMID:31911673).

BRCA2 exon 11 coldspot. Reclassification based on statistical prior probability.

Labcorp Genetics (formerly Invitae), Labcorp
Classification: Uncertain significance for Hereditary breast ovarian cancer syndrome. Last evaluated: 2021-07-05. Review status: criteria provided, single submitter. Criteria: Invitae Variant Classification Sherloc (09022015). Collection method: clinical testing. Allele origin: germline.
Comment: This sequence change replaces glutamine with histidine at codon 961 of the BRCA2 protein (p.Gln961His). The glutamine residue is weakly conserved and there is a small physicochemical difference between glutamine and histidine. This variant is not present in population databases (ExAC no frequency). This variant has not been reported in the literature in individuals affected with BRCA2-related conditions. Advanced modeling of protein sequence and biophysical properties (such as structural, functional, and spatial information, amino acid conservation, physicochemical variation, residue mobility, and thermodynamic stability) performed at Invitae indicates that this missense variant is not expected to disrupt BRCA2 protein function. In summary, the available evidence is currently insufficient to determine the role of this variant in disease. Therefore, it has been classified as a Variant of Uncertain Significance.